The following is an entry in ClinVar:

ClinVar aggregate classification (germline): Uncertain significance (1 of 4 stars; one submission).

Conditions:
Hyperphosphatasia with impaired intellectual development syndrome 2. Also called: Hyperphosphatasia with intellectual disability syndrome 2; GLYCOSYLPHOSPHATIDYLINOSITOL BIOSYNTHESIS DEFECT 6. Identifiers: Orphanet 247262, MedGen C3553637, MONDO:0013882, OMIM 614749.

Submission:

Labcorp Genetics (formerly Invitae), Labcorp
Classification: Uncertain significance for Hyperphosphatasia with impaired intellectual development syndrome 2. Last evaluated: 2021-06-28. Review status: criteria provided, single submitter. Criteria: Invitae Variant Classification Sherloc (09022015). Collection method: clinical testing. Allele origin: germline.
Comment: This sequence change replaces phenylalanine with leucine at codon 100 of the PIGO protein (p.Phe100Leu). The phenylalanine residue is moderately conserved and there is a small physicochemical difference between phenylalanine and leucine. This variant is not present in population databases (ExAC no frequency). This variant has not been reported in the literature in individuals with PIGO-related conditions. Algorithms developed to predict the effect of missense changes on protein structure and function are either unavailable or do not agree on the potential impact of this missense change (SIFT: "Deleterious"; PolyPhen-2: "Benign"; Align-GVGD: "Class C0"). In summary, the available evidence is currently insufficient to determine the role of this variant in disease. Therefore, it has been classified as a Variant of Uncertain Significance.

NM_032634.4(PIGO):c.298T>C (p.Phe100Leu)

Gene: PIGO (phosphatidylinositol glycan anchor biosynthesis class O; minus strand). Cytogenetic location: 9p13.3.
Variant type: single nucleotide variant.
Coding change: c.298T>C on transcript NM_032634.4 (MANE Select); coding-DNA position 298, T replaced by C.
Protein change: p.Phe100Leu; replaces phenylalanine 100 with leucine.
Molecular consequence: missense variant.
Genome position (GRCh38, 1-based): chr9:35,095,268, A>G on the plus strand (T>C on the coding strand, the complement: PIGO is on the minus strand). VCF-style: chr9-35095268-A-G. GRCh37 (hg19) VCF-style: chr9-35095265-A-G.
Other names: c.298T>C, p.Phe100Leu (NM_001201484.2, NM_152850.4); short protein forms F100L.
Identifiers: ClinVar variation 1435771 (VCV001435771.8), dbSNP rs1564002038, ClinGen allele CA373324576.